The following is an entry in ClinVar:

NM_001042492.3(NF1):c.5977del (p.Gln1993fs)

Gene: NF1 (neurofibromin 1; plus strand). Cytogenetic location: 17q11.2.
Variant type: Deletion.
Coding change: c.5977del on transcript NM_001042492.3 (MANE Select); coding-DNA position 5977, one base deleted (C; older notation c.5977delC).
Protein change: p.Gln1993fs; shifts the reading frame from glutamine 1993.
Molecular consequence: frameshift variant.
Genome position (GRCh38, 1-based): chr17:31,335,002, C deleted. VCF-style (leftmost placement, unchanged base first): chr17-31335001-TC-T. GRCh37 (hg19) VCF-style: chr17-29662019-TC-T.
Other names: c.5914delC, p.Gln1972Lysfs (NM_000267.4); short protein forms Q1972fs, Q1993fs.
Identifiers: ClinVar variation 3710872 (VCV003710872.2).

ClinVar aggregate classification (germline): Pathogenic (1 of 4 stars; one submission).

Conditions:
Neurofibromatosis, type 1 (NF1). Also called: NEUROFIBROMATOSIS, TYPE I, SOMATIC; Neurofibromatosis, type I; VON RECKLINGHAUSEN DISEASE; Peripheral type neurofibromatosis. Identifiers: Orphanet 636, MedGen C0027831, MONDO:0018975, OMIM 162200. Disease mechanism: loss of function.

Submission:

Labcorp Genetics (formerly Invitae), Labcorp
Classification: Pathogenic for Neurofibromatosis, type 1. Last evaluated: 2024-09-12. Review status: criteria provided, single submitter. Criteria: Invitae Variant Classification Sherloc (09022015). Collection method: clinical testing. Allele origin: germline.
Comment: This sequence change creates a premature translational stop signal (p.Gln1972Lysfs*19) in the NF1 gene. It is expected to result in an absent or disrupted protein product. Loss-of-function variants in NF1 are known to be pathogenic (PMID: 10712197, 23913538). This variant is not present in population databases (gnomAD no frequency). This variant has not been reported in the literature in individuals affected with NF1-related conditions. For these reasons, this variant has been classified as Pathogenic.

Literature cited by the submitters: PubMed 10712197; PubMed 23913538.